The following is an entry in ClinVar:

ClinVar aggregate classification (germline): Uncertain significance (1 of 4 stars; one submission).

Conditions:
Baller-Gerold syndrome (BGS). Also called: CRANIOSYNOSTOSIS WITH RADIAL DEFECTS. Identifiers: Orphanet 1225, MedGen C0265308, MONDO:0009039, OMIM 218600.

Allele frequency attached by ClinVar (database versions not stated): gnomAD exomes 0.00001 and 0.00002; gnomAD 0.00002; TOPMed 0.00003.

Submission:

Labcorp Genetics (formerly Invitae), Labcorp
Classification: Uncertain significance for Baller-Gerold syndrome. Last evaluated: 2024-09-02. Review status: criteria provided, single submitter. Criteria: Invitae Variant Classification Sherloc (09022015). Collection method: clinical testing. Allele origin: germline.
Comment: This sequence change replaces arginine, which is basic and polar, with glutamine, which is neutral and polar, at codon 804 of the RECQL4 protein (p.Arg804Gln). This variant is present in population databases (no rsID available, gnomAD 0.003%). This variant has not been reported in the literature in individuals affected with RECQL4-related conditions. ClinVar contains an entry for this variant (Variation ID: 406991). Invitae Evidence Modeling of protein sequence and biophysical properties (such as structural, functional, and spatial information, amino acid conservation, physicochemical variation, residue mobility, and thermodynamic stability) indicates that this missense variant is expected to disrupt RECQL4 protein function with a positive predictive value of 80%. In summary, the available evidence is currently insufficient to determine the role of this variant in disease. Therefore, it has been classified as a Variant of Uncertain Significance.

NM_004260.4(RECQL4):c.2411G>A (p.Arg804Gln)

Gene: RECQL4 (RecQ like helicase 4; minus strand). Cytogenetic location: 8q24.3.
Variant type: single nucleotide variant.
Coding change: c.2411G>A on transcript NM_004260.4 (MANE Select); coding-DNA position 2411, G replaced by A.
Protein change: p.Arg804Gln; replaces arginine 804 with glutamine.
Molecular consequence: missense variant.
Genome position (GRCh38, 1-based): chr8:144,513,270, C>T on the plus strand (G>A on the coding strand, the complement: RECQL4 is on the minus strand). VCF-style: chr8-144513270-C-T. GRCh37 (hg19) VCF-style: chr8-145738653-C-T.
Other names: short protein forms R804Q.
Identifiers: ClinVar variation 406991 (VCV000406991.8), dbSNP rs1060501375, ClinGen allele CA16612334.